The following is an entry in ClinVar:

ClinVar aggregate classification (germline): Pathogenic (1 of 4 stars; one submission).

Conditions:
Neurofibromatosis, type 1 (NF1). Also called: Peripheral type neurofibromatosis; VON RECKLINGHAUSEN DISEASE; NEUROFIBROMATOSIS, TYPE I, SOMATIC; Neurofibromatosis, type I. Identifiers: Orphanet 636, MedGen C0027831, MONDO:0018975, OMIM 162200. Disease mechanism: loss of function.

Submission:

Labcorp Genetics (formerly Invitae), Labcorp
Classification: Pathogenic for Neurofibromatosis, type 1. Last evaluated: 2025-01-26. Review status: criteria provided, single submitter. Criteria: Invitae Variant Classification Sherloc (09022015). Collection method: clinical testing. Allele origin: germline.
Comment: This sequence change creates a premature translational stop signal (p.Ser2100*) in the NF1 gene. It is expected to result in an absent or disrupted protein product. Loss-of-function variants in NF1 are known to be pathogenic (PMID: 10712197, 23913538). Information on the frequency of this variant in the gnomAD database is not available, as this variant may be reported differently in the database. This variant has not been reported in the literature in individuals affected with NF1-related conditions. For these reasons, this variant has been classified as Pathogenic.

Literature cited by the submitters: PubMed 10712197; PubMed 23913538.

NM_001042492.3(NF1):c.6362_6363delinsAA (p.Ser2121Ter)

Gene: NF1 (neurofibromin 1; plus strand). Cytogenetic location: 17q11.2.
Variant type: Indel.
Coding change: c.6362_6363delinsAA on transcript NM_001042492.3 (MANE Select); coding-DNA positions 6362 to 6363, CC replaced by AA.
Protein change: p.Ser2121Ter; replaces serine 2121 with a stop codon.
Molecular consequence: nonsense.
Genome position (GRCh38, 1-based): chr17:31,336,849-31,336,850, CC replaced by AA. VCF-style: chr17-31336849-CC-AA. GRCh37 (hg19) VCF-style: chr17-29663867-CC-AA.
Other names: c.6299_6300delCCinsAA, p.Ser2100Ter (NM_000267.4); short protein forms S2100*, S2121*.
Identifiers: ClinVar variation 3661617 (VCV003661617.2).